The following is an entry in ClinVar:

NM_000088.4(COL1A1):c.3332G>A (p.Arg1111His)

Gene: COL1A1 (collagen type I alpha 1 chain; minus strand). Cytogenetic location: 17q21.33.
Variant type: single nucleotide variant.
Coding change: c.3332G>A on transcript NM_000088.4 (MANE Select); coding-DNA position 3332, G replaced by A.
Protein change: p.Arg1111His; replaces arginine 1111 with histidine.
Molecular consequence: missense variant.
Genome position (GRCh38, 1-based): chr17:50,187,913, C>T on the plus strand (G>A on the coding strand, the complement: COL1A1 is on the minus strand). VCF-style: chr17-50187913-C-T. GRCh37 (hg19) VCF-style: chr17-48265274-C-T.
Other names: short protein forms R1111H.
Identifiers: ClinVar variation 2907151 (VCV002907151.5), dbSNP rs750279409, ClinGen allele CA8644481.

ClinVar aggregate classification (germline): Uncertain significance. Review status: criteria provided, multiple submitters, no conflicts (2 of 4 stars). 2 submissions from 2 submitters: Uncertain significance (2). Last evaluated 2023-11-12.

Conditions:
Infantile cortical hyperostosis. Also called: P1PK BLOOD GROUP SYSTEM, P(2) PHENOTYPE; Hyperostosis, Cortical, Congenital; Caffey Disease. Identifiers: Orphanet 1310, MedGen C0020497, MONDO:0007244, OMIM 114000.
Ehlers-Danlos syndrome, arthrochalasia type. Also called: ARTHROCHALASIS MULTIPLEX CONGENITA; Ehlers-Danlos syndrome, arthrochalasis type; EDS VII, MUTANT PROCOLLAGEN TYPE; EDS VIIA; Ehlers-Danlos syndrome, arthrochalasia type, 1. Identifiers: Orphanet 1899, Orphanet 99875, Orphanet 99876, MedGen C4551623, MONDO:0007525, OMIM 130060.
Combined osteogenesis imperfecta and Ehlers-Danlos syndrome 1. Also called: OIEDS SYNDROME 1. Identifiers: MedGen C5436842, MONDO:0030854, OMIM 619115.
Osteogenesis imperfecta with normal sclerae, dominant form (OI4). Also called: OSTEOGENESIS IMPERFECTA, TYPE IV, WITH DENTINOGENESIS IMPERFECTA; OSTEOGENESIS IMPERFECTA WITH NORMAL SCLERAE; Osteogenesis imperfecta type 4; Osteogenesis Imperfecta Type IV; Common Variable Osteogenesis Imperfecta with Normal Sclerae. Identifiers: Orphanet 216820, Orphanet 666, MedGen C0268363, MONDO:0008148, OMIM 166220.
Osteogenesis imperfecta, perinatal lethal (OI2). Also called: Osteogenesis imperfecta type 2; OI, TYPE II; OSTEOGENESIS IMPERFECTA CONGENITA; VROLIK TYPE OF OSTEOGENESIS IMPERFECTA; OSTEOGENESIS IMPERFECTA, TYPE II; Osteogenesis imperfecta, dominant perinatal lethal. Identifiers: Orphanet 216804, MedGen C0268358, MONDO:0008147, OMIM 166210.
Osteogenesis imperfecta type III (OI3). Also called: Osteogenesis imperfecta type 3; OI type 3; Osteogenesis imperfecta, progressively deforming with normal sclerae; OI type III; Progressively Deforming Osteogenesis Imperfecta. Identifiers: Orphanet 216812, Orphanet 666, MedGen C0268362, MONDO:0009804, OMIM 259420.
Osteogenesis imperfecta type I (OI1). Also called: OI, TYPE I; OSTEOGENESIS IMPERFECTA TARDA; OSTEOGENESIS IMPERFECTA WITH BLUE SCLERAE; Osteogenesis imperfecta type 1; Lobstein disease; Classic Non-deforming Osteogenesis Imperfecta with Blue Sclerae. Identifiers: Orphanet 216796, Orphanet 666, MedGen C0023931, MONDO:0008146, OMIM 166200. Disease mechanism: loss of function.
Osteoporosis. Identifiers: MedGen C0029456, MONDO:0005298, OMIM 166710, HP:0000939.

Allele frequency attached by ClinVar (database versions not stated): gnomAD exomes below 0.00001; TOPMed below 0.00001; ExAC 0.00001.

Submissions (2):

Labcorp Genetics (formerly Invitae), Labcorp
Classification: Uncertain significance for Osteogenesis imperfecta type I. Last evaluated: 2023-11-12. Review status: criteria provided, single submitter. Criteria: Invitae Variant Classification Sherloc (09022015). Collection method: clinical testing. Allele origin: germline.
Comment: This sequence change replaces arginine, which is basic and polar, with histidine, which is basic and polar, at codon 1111 of the COL1A1 protein (p.Arg1111His). The frequency data for this variant in the population databases is considered unreliable, as metrics indicate poor data quality at this position in the gnomAD database. This variant has not been reported in the literature in individuals affected with COL1A1-related conditions. Advanced modeling of protein sequence and biophysical properties (such as structural, functional, and spatial information, amino acid conservation, physicochemical variation, residue mobility, and thermodynamic stability) performed at Invitae indicates that this missense variant is expected to disrupt COL1A1 protein function with a positive predictive value of 80%. In summary, the available evidence is currently insufficient to determine the role of this variant in disease. Therefore, it has been classified as a Variant of Uncertain Significance.

Juno Genomics, Hangzhou Juno Genomics, Inc
Classification: Uncertain significance for Osteoporosis; Infantile cortical hyperostosis; Combined osteogenesis imperfecta and Ehlers-Danlos syndrome 1; Ehlers-Danlos syndrome, arthrochalasia type; Osteogenesis imperfecta type I; Osteogenesis imperfecta, perinatal lethal; Osteogenesis imperfecta type III; Osteogenesis imperfecta with normal sclerae, dominant form. Review status: criteria provided, single submitter. Criteria: ACMG Guidelines, 2015. Collection method: clinical testing. Allele origin: germline.
Comment: Missense variant in a gene that has a low rate of benign missense variation.;Multiple lines of computational evidence support a deleterious effect on the gene or gene product.;Absent from controls (or at extremely low frequency if recessive) in Genome Aggregation Database.